The following is an entry in ClinVar:

NM_000492.4(CFTR):c.1312A>G (p.Thr438Ala)

Genes: CFTR-AS1 (CFTR antisense RNA 1; minus strand), CFTR (CF transmembrane conductance regulator; plus strand). Cytogenetic location: 7q31.2.
Variant type: single nucleotide variant.
Coding change: c.1312A>G on transcript NM_000492.4 (MANE Select); coding-DNA position 1312, A replaced by G.
Protein change: p.Thr438Ala; replaces threonine 438 with alanine.
Molecular consequence: missense variant.
Genome position (GRCh38, 1-based): chr7:117,548,743, A>G. VCF-style: chr7-117548743-A-G. GRCh37 (hg19) VCF-style: chr7-117188797-A-G.
Other names: short protein forms T438A.
Identifiers: ClinVar variation 193594 (VCV000193594.16), dbSNP rs201434579, ClinGen allele CA239134.
Genomic context (GRCh38, chr7:117,548,743, plus strand): 5'-AATAGAAAAACTTCTAATGGTGATGACAGCCTCTTCTTCAGTAATTTCTCACTTCTTGGT[A>G]CTCCTGTCCTGAAAGATATTAATTTCAAGATAGAAAGAGGACAGTTGTTGGCGGTTGCTG-3'
Protein context (NP_000483.3, residues 428-448): LFFSNFSLLG[Thr438Ala]PVLKDINFKI

ClinVar aggregate classification (germline): Conflicting classifications of pathogenicity. Review status: criteria provided, conflicting classifications (1 of 4 stars). 7 submissions from 7 submitters: Uncertain significance (3); Benign (2). 2 of the submissions do not count toward it. Last evaluated 2021-07-22.

Conditions:
CFTR-related disorder (CFTR-RD). Also called: CFTR-related disorders; CFTR-related condition. Identifiers: MedGen C5924204, MONDO:7770004.
Hereditary pancreatitis (PCTT). Also called: PRSS1-Related Hereditary Pancreatitis; Hereditary chronic pancreatitis. Identifiers: Orphanet 676, MedGen C0238339, MONDO:0008185, OMIM 167800.
Cystic fibrosis (CF). Also called: MUCOVISCIDOSIS. Identifiers: Orphanet 586, MedGen C0010674, MONDO:0009061, OMIM 219700. Disease mechanism: loss of function.

Allele frequency attached by ClinVar (database versions not stated): gnomAD exomes 0.00021; ExAC 0.00235.

Submissions (7):

Genome-Nilou Lab
Classification: Uncertain significance for Cystic fibrosis. Last evaluated: 2021-07-22. Review status: criteria provided, single submitter. Criteria: ACMG Guidelines, 2015. Collection method: clinical testing. Allele origin: germline. Affected: no.

Sema4
Classification: Benign for Hereditary pancreatitis. Last evaluated: 2021-07-22. Review status: criteria provided, single submitter. Criteria: Sema4 Curation Guidelines. Collection method: curation. Allele origin: germline.

Eurofins Ntd Llc (ga)
Classification: Uncertain significance. Last evaluated: 2018-08-31. Review status: criteria provided, single submitter. Criteria: EGL ClinVar v180209 classification definitions. Collection method: clinical testing. Allele origin: germline. Observed: 3 variant alleles, 2 heterozygotes.

Illumina Laboratory Services, Illumina
Classification: Uncertain significance for CFTR-Related Disorders. Last evaluated: 2018-01-13. Review status: criteria provided, single submitter. Criteria: ICSL Variant Classification Criteria 13 December 2019. Collection method: clinical testing. Allele origin: germline.

Center for Pediatric Genomic Medicine, Children's Mercy Hospital and Clinics
Classification: Benign. Last evaluated: 2016-06-07. Review status: criteria provided, single submitter. Criteria: ACMG Guidelines, 2015. Collection method: clinical testing. Allele origin: germline.

PreventionGenetics, part of Exact Sciences
Classification: Uncertain significance for CFTR-related condition. Last evaluated: 2024-03-21. Review status: no assertion criteria provided. Collection method: clinical testing. Allele origin: germline. Not counted in ClinVar's aggregate classification.
Comment: The CFTR c.1312A>G variant is predicted to result in the amino acid substitution p.Thr438Ala. This variant has been reported in a heterozygous state in an individual with cystic fibrosis although it is unknown if a second variant was detected (Trujillano et al. 2015. PMID: 26436105). This variant is reported in 1.0% of alleles in individuals of African descent in gnomAD; however, part of the data set did not pass the quality metrics so this data should be interpreted with caution. At this time, the clinical significance of this variant is uncertain due to the absence of conclusive functional and genetic evidence.

Department of Pathology and Laboratory Medicine, Sinai Health System
Classification: Uncertain significance. Review status: no assertion criteria provided. Collection method: clinical testing. Allele origin: unknown. Affected: yes. Study: The Canadian Open Genetics Repository (COGR). Not counted in ClinVar's aggregate classification.
Comment: The CFTR p.Thr438Ala variant was not identified in the Cosmic or MutDB databases but was identified in dbSNP (ID: rs201434579), ClinVar (reported as a VUS by Emory and Illumina and benign by the Center for Pediatric Genomic Medicine at the Children's Mercy Hospital and Clinics), Clinvitae and LOVD 3.0. The variant was identified in control databases in 910 of 243424 chromosomes at a frequency of 0.003738 increasing the likelihood this could be a low frequency benign variant (Genome Aggregation Database Feb 27, 2017). The variant was observed in the following populations: African in 184 of 18116 chromosomes (freq: 0.01016), European (Finnish) in 195 of 20214 chromosomes (freq: 0.009647), Other in 46 of 6026 chromosomes (freq: 0.007634), European (non-Finnish) in 407 of 108932 chromosomes (freq: 0.003736), East Asian in 26 of 18052 chromosomes (freq: 0.00144), Latino in 42 of 33100 chromosomes (freq: 0.001269) and Ashkenazi Jewish in 10 of 9894 chromosomes (freq: 0.001011), but was not observed in the South Asian population. Trujillano et al. (2015) identified this variant in the heterozygous state in 1/177 cystic fibrosis patients but suggested the variant to be neutral (Trujillano_2015_PMID: 26436105). The p.Thr438 residue is not conserved in mammals and computational analyses (PolyPhen-2, SIFT, AlignGVGD, BLOSUM, MutationTaster) do not suggest a high likelihood of impact to the protein; however, this information is not predictive enough to rule out pathogenicity. In summary, based on the above information the clinical significance of this variant cannot be determined with certainty at this time. This variant is classified as a variant of uncertain significance.